The following is an entry in ClinVar:

NM_198390.3(CMIP):c.1896+8C>T

Gene: CMIP (c-Maf inducing protein; plus strand). Cytogenetic location: 16q23.3.
Variant type: single nucleotide variant.
Coding change: c.1896+8C>T on transcript NM_198390.3 (MANE Select); 8 bases into the intron after coding-DNA position 1896, C replaced by T.
Molecular consequence: intron variant.
Genome position (GRCh38, 1-based): chr16:81,701,808, C>T. VCF-style: chr16-81701808-C-T. GRCh37 (hg19) VCF-style: chr16-81735413-C-T.
Other names: c.1614+8C>T (NM_030629.3).
Identifiers: ClinVar variation 3045065 (VCV003045065.2), dbSNP rs375897973, ClinGen allele CA8192738.
Genomic context (GRCh38, chr16:81,701,808, plus strand): 5'-GGAAGCGCATGTACGAGCAGCTGTGTGACCGGCAGCGGGAGCTGAAGGAGCTGGTGAGTC[C>T]CCGGCTGCTCCGGACCACTCCCCTGCCCAGCAGGCCAGGGGGGGCCAGGGCGGGATGCGG-3'

ClinVar aggregate classification (germline): Likely benign (0 of 4 stars; one submission).

Conditions:
CMIP-related disorder. Also called: CMIP-related condition.

Allele frequency attached by ClinVar (database versions not stated): ExAC 0.00014; ESP Exome Variant Server 0.00016; gnomAD 0.00018; TOPMed 0.00019; gnomAD exomes 0.00035.
gnomAD v4.1: 535 of 1,612,844 alleles (0.033%); highest among the groups gnomAD compares: Non-Finnish European, 0.042%; no homozygotes.

Submission:

PreventionGenetics, part of Exact Sciences
Classification: Likely benign for CMIP-related condition. Last evaluated: 2019-03-28. Review status: no assertion criteria provided. Collection method: clinical testing. Allele origin: germline.
Comment: This variant is classified as likely benign based on ACMG/AMP sequence variant interpretation guidelines (Richards et al. 2015 PMID: 25741868, with internal and published modifications).